The following is an entry in ClinVar:

NM_004006.3(DMD):c.9156T>G (p.Phe3052Leu)

Gene: DMD (dystrophin; minus strand). Cytogenetic location: Xp21.2.
Variant type: single nucleotide variant.
Coding change: c.9156T>G on transcript NM_004006.3 (MANE Select); coding-DNA position 9156, T replaced by G.
Protein change: p.Phe3052Leu; replaces phenylalanine 3052 with leucine.
Molecular consequence: missense variant.
Genome position (GRCh38, 1-based): chrX:31,348,563, A>C on the plus strand (T>G on the coding strand, the complement: DMD is on the minus strand). VCF-style: chrX-31348563-A-C. GRCh37 (hg19) VCF-style: chrX-31366680-A-C.
Other names: c.9132T>G, p.Phe3044Leu (NM_000109.4); c.9144T>G, p.Phe3048Leu (NM_004009.3); c.8787T>G, p.Phe2929Leu (NM_004010.3); c.5133T>G, p.Phe1711Leu (NM_004011.4); c.5124T>G, p.Phe1708Leu (NM_004012.4); c.1776T>G, p.Phe592Leu (NM_004013.3, NM_004020.4, NM_004021.3 and 2 more transcripts); c.969T>G, p.Phe323Leu (NM_004014.3); short protein forms F1708L, F3044L, F3048L, F3052L, F2929L, F323L, F1711L, F592L.
Identifiers: ClinVar variation 2897777 (VCV002897777.3), dbSNP rs2521972262, ClinGen allele CA412653598.

ClinVar aggregate classification (germline): Uncertain significance (1 of 4 stars; one submission).

Conditions:
Duchenne muscular dystrophy (DMD). Also called: MUSCULAR DYSTROPHY, PSEUDOHYPERTROPHIC PROGRESSIVE, DUCHENNE TYPE; Duchenne Muscular Dystrophy (DMD). Identifiers: Orphanet 98896, MedGen C0013264, MONDO:0010679, OMIM 310200.

Submission:

Labcorp Genetics (formerly Invitae), Labcorp
Classification: Uncertain significance for Duchenne muscular dystrophy. Last evaluated: 2023-11-24. Review status: criteria provided, single submitter. Criteria: Invitae Variant Classification Sherloc (09022015). Collection method: clinical testing. Allele origin: germline.
Comment: This sequence change replaces phenylalanine, which is neutral and non-polar, with leucine, which is neutral and non-polar, at codon 3052 of the DMD protein (p.Phe3052Leu). This variant is not present in population databases (gnomAD no frequency). This variant has not been reported in the literature in individuals affected with DMD-related conditions. Advanced modeling of protein sequence and biophysical properties (such as structural, functional, and spatial information, amino acid conservation, physicochemical variation, residue mobility, and thermodynamic stability) performed at Invitae indicates that this missense variant is not expected to disrupt DMD protein function with a negative predictive value of 95%. In summary, the available evidence is currently insufficient to determine the role of this variant in disease. Therefore, it has been classified as a Variant of Uncertain Significance.